The following is an entry in ClinVar:

ClinVar aggregate classification (germline): Benign/Likely benign. Review status: criteria provided, multiple submitters, no conflicts (2 of 4 stars). 3 submissions from 3 submitters: Benign (1); Likely benign (2). Last evaluated 2024-08-01.

Conditions:
Hereditary cancer-predisposing syndrome. Also called: Hereditary neoplastic syndrome; Hereditary Cancer Syndrome; Tumor predisposition; Neoplastic Syndromes, Hereditary. Identifiers: Orphanet 140162, MedGen C0027672, MeSH D009386, MONDO:0015356.
Familial adenomatous polyposis 1 (FAP1). Also called: FAMILIAL ADENOMATOUS POLYPOSIS 1, ATTENUATED; POLYPOSIS, ADENOMATOUS INTESTINAL. Identifiers: MedGen C2713442, MONDO:0021056, OMIM 175100. Disease mechanism: loss of function.

Allele frequency attached by ClinVar (database versions not stated): gnomAD exomes below 0.00001; ExAC 0.00001.
gnomAD v4.1: 1 of 1,614,118 alleles (0.000062%); highest among the groups gnomAD compares: Non-Finnish European, 0.000085%; no homozygotes.

Submissions (3):

Ambry Genetics
Classification: Likely benign for Hereditary cancer-predisposing syndrome. Last evaluated: 2024-08-01. Review status: criteria provided, single submitter. Criteria: Ambry Variant Classification Scheme 2023. Collection method: clinical testing. Allele origin: germline.

Myriad Genetics, Inc.
Classification: Benign for Familial adenomatous polyposis 1. Last evaluated: 2024-02-29. Review status: criteria provided, single submitter. Criteria: Myriad Autosomal Dominant, Autosomal Recessive and X-Linked Classification Criteria (2023). Collection method: clinical testing. Allele origin: unknown.
Comment: This variant is considered benign. This variant is a silent/synonymous amino acid change and it is not expected to impact splicing.

Labcorp Genetics (formerly Invitae), Labcorp
Classification: Likely benign for Familial adenomatous polyposis 1. Last evaluated: 2019-10-02. Review status: criteria provided, single submitter. Criteria: Invitae Variant Classification Sherloc (09022015). Collection method: clinical testing. Allele origin: germline.

NM_000038.6(APC):c.1044A>G (p.Arg348=)

Gene: APC (APC regulator of Wnt signaling pathway; plus strand). Cytogenetic location: 5q22.2.
Variant type: single nucleotide variant.
Coding change: c.1044A>G on transcript NM_000038.6 (MANE Select); coding-DNA position 1044, A replaced by G.
Protein change: p.Arg348=; no amino-acid change (arginine 348 retained).
Molecular consequence: synonymous variant. On other transcripts: intron variant (4).
Genome position (GRCh38, 1-based): chr5:112,819,076, A>G. VCF-style: chr5-112819076-A-G. GRCh37 (hg19) VCF-style: chr5-112154773-A-G.
Other names: c.1044A>G, p.Arg348= (NM_001127510.3, NM_001354895.2, NM_001354896.2); c.990A>G, p.Arg330= (NM_001127511.3); c.1074A>G, p.Arg358= (NM_001354897.2); c.969A>G, p.Arg323= (NM_001354898.2); c.960A>G, p.Arg320= (NM_001354899.2); c.867A>G, p.Arg289= (NM_001354900.2, NM_001354901.2); c.195A>G, p.Arg65= (NM_001354906.2); c.964-193A>G (NM_001354902.2); and 4 more.
Identifiers: ClinVar variation 1138789 (VCV001138789.12), dbSNP rs772902822, ClinGen allele CA026656.